The following is an entry in ClinVar:

NM_021072.4(HCN1):c.1897G>T (p.Val633Leu)

Gene: HCN1 (hyperpolarization activated cyclic nucleotide gated potassium channel 1; minus strand). Cytogenetic location: 5p12.
Variant type: single nucleotide variant.
Coding change: c.1897G>T on transcript NM_021072.4 (MANE Select); coding-DNA position 1897, G replaced by T.
Protein change: p.Val633Leu; replaces valine 633 with leucine.
Molecular consequence: missense variant.
Genome position (GRCh38, 1-based): chr5:45,262,697, C>A on the plus strand (G>T on the coding strand, the complement: HCN1 is on the minus strand). VCF-style: chr5-45262697-C-A. GRCh37 (hg19) VCF-style: chr5-45262799-C-A.
Other names: short protein forms V633L.
Identifiers: ClinVar variation 1684791 (VCV001684791.3), dbSNP rs756115935, ClinGen allele CA359704467.

ClinVar aggregate classification (germline): Uncertain significance. Review status: criteria provided, multiple submitters, no conflicts (2 of 4 stars). 2 submissions from 2 submitters: Uncertain significance (2). Last evaluated 2024-09-09.

Submissions (2):

Dasa
Classification: Uncertain significance. Last evaluated: 2024-09-09. Review status: criteria provided, single submitter. Criteria: DASA Assertion Criteria. Collection method: clinical testing. Allele origin: germline.
Comment: NM_021072.4(HCN1):c.1897G>T (p.Val633Leu) is a missense variant that results in the substitution of valine with leucine. This variant is absent from population databases. Computational prediction algorithms are consistent with a benign effect. The currently available literature and clinical evidence are not sufficient to establish a definitive association between this variant and the reported condition. Therefore, this variant is classified as a variant of uncertain significance.

Mendelics
Classification: Uncertain significance. Last evaluated: 2022-05-04. Review status: criteria provided, single submitter. Criteria: Mendelics Assertion Criteria 2019. Collection method: clinical testing. Allele origin: germline.